The following is an entry in ClinVar:

ClinVar aggregate classification (germline): Uncertain significance (1 of 4 stars; one submission).

Conditions:
CACNA1B-related disorder. Also called: CACNA1B-related condition.

gnomAD v4.1: 3 of 1,613,556 alleles (0.00019%); highest among the groups gnomAD compares: Non-Finnish European, 0.00025%; no homozygotes.

Submission:

PreventionGenetics, part of Exact Sciences
Classification: Uncertain significance for CACNA1B-related condition. Last evaluated: 2025-11-20. Review status: criteria provided, single submitter. Criteria: ACMG Guidelines, 2015. Collection method: clinical testing. Allele origin: germline.
Comment: The CACNA1B c.5671C>T variant is predicted to result in the amino acid substitution p.His1891Tyr. To our knowledge, this variant has not been reported in the literature or in a large population database (gnomAD), indicating this variant is rare. At this time, the clinical significance of this variant is uncertain due to the absence of conclusive functional and genetic evidence.

NM_000718.4(CACNA1B):c.5671C>T (p.His1891Tyr)

Gene: CACNA1B (calcium voltage-gated channel subunit alpha1 B; plus strand). Cytogenetic location: 9q34.3.
Variant type: single nucleotide variant.
Coding change: c.5671C>T on transcript NM_000718.4 (MANE Select); coding-DNA position 5671, C replaced by T.
Protein change: p.His1891Tyr; replaces histidine 1891 with tyrosine.
Molecular consequence: missense variant.
Genome position (GRCh38, 1-based): chr9:138,115,573, C>T. VCF-style: chr9-138115573-C-T. GRCh37 (hg19) VCF-style: chr9-141010025-C-T.
Other names: c.5671C>T, p.His1891Tyr (NM_001243812.2); short protein forms H1891Y.
Identifiers: ClinVar variation 4985837 (VCV004985837.1).